The following is an entry in ClinVar:

NM_001792.5(CDH2):c.25C>T (p.Arg9Trp)

Gene: CDH2 (cadherin 2; minus strand). Cytogenetic location: 18q12.1.
Variant type: single nucleotide variant.
Coding change: c.25C>T on transcript NM_001792.5 (MANE Select); coding-DNA position 25, C replaced by T.
Protein change: p.Arg9Trp; replaces arginine 9 with tryptophan.
Molecular consequence: missense variant.
Genome position (GRCh38, 1-based): chr18:28,176,998, G>A on the plus strand (C>T on the coding strand, the complement: CDH2 is on the minus strand). VCF-style: chr18-28176998-G-A. GRCh37 (hg19) VCF-style: chr18-25756962-G-A.
Other names: short protein forms R9W.
Identifiers: ClinVar variation 4701536 (VCV004701536.1).

ClinVar aggregate classification (germline): Uncertain significance (1 of 4 stars; one submission).

gnomAD v4.1: 12 of 1,479,748 alleles (0.00081%); highest among the groups gnomAD compares: Non-Finnish European, 0.0011%; no homozygotes.

Submission:

Labcorp Genetics (formerly Invitae), Labcorp
Classification: Uncertain significance. Last evaluated: 2025-12-22. Review status: criteria provided, single submitter. Criteria: Invitae Variant Classification Sherloc (09022015). Collection method: clinical testing. Allele origin: germline.
Comment: This sequence change replaces arginine, which is basic and polar, with tryptophan, which is neutral and slightly polar, at codon 9 of the CDH2 protein (p.Arg9Trp). This variant is not present in population databases (gnomAD no frequency). This variant has not been reported in the literature in individuals affected with CDH2-related conditions. An algorithm developed to predict the effect of missense changes on protein structure and function (PolyPhen-2) suggests that this variant is likely to be tolerated. In summary, the available evidence is currently insufficient to determine the role of this variant in disease. Therefore, it has been classified as a Variant of Uncertain Significance.